The following is an entry in ClinVar:

NM_001244710.2(GFPT1):c.738_739del (p.Gly247fs)

Gene: GFPT1 (glutamine--fructose-6-phosphate transaminase 1; minus strand). Cytogenetic location: 2p13.3.
Variant type: Microsatellite.
Coding change: c.738_739del on transcript NM_001244710.2 (MANE Select); coding-DNA positions 738 to 739, 2 bases deleted (AG; older notation c.738_739delAG).
Protein change: p.Gly247fs; shifts the reading frame from glycine 247.
Molecular consequence: frameshift variant. On other transcripts: intron variant (1).
Genome position (GRCh38, 1-based): chr2:69,354,259-69,354,260, CT deleted on the plus strand (AG on the coding strand, the reverse complement: GFPT1 is on the minus strand); deleting any 2 consecutive bases within chr2:69,354,259-69,354,262 gives the same sequence; the c. name uses the placement nearest the transcript's 3' end. VCF-style (leftmost placement, unchanged base first): chr2-69354258-CCT-C. GRCh37 (hg19) VCF-style: chr2-69581390-CCT-C.
Other names: c.685+229_685+230del (NM_002056.4); short protein forms G247fs.
Identifiers: ClinVar variation 444502 (VCV000444502.47), dbSNP rs1553390600, ClinGen allele CA658653748.

ClinVar aggregate classification (germline): Pathogenic. Review status: criteria provided, multiple submitters, no conflicts (2 of 4 stars). 3 submissions from 3 submitters: Pathogenic (3). Last evaluated 2026-06-12.

Conditions:
Congenital myasthenic syndrome (CMS). Also called: Congenital Myasthenic Syndromes. Identifiers: Orphanet 590, MedGen C0751882, MeSH D020294, MONDO:0018940.
Congenital myasthenic syndrome 12 (CMS12). Also called: Myasthenia, congenital, 12, with tubular aggregates; MYASTHENIC SYNDROME, CONGENITAL, WITH TUBULAR AGGREGATES 1. Identifiers: Orphanet 353327, Orphanet 590, MedGen C3552335, MONDO:0012518, OMIM 610542.

Submissions (3):

Clinical Genetics Laboratory, Skane University Hospital Lund
Classification: Pathogenic for Congenital myasthenic syndrome. Last evaluated: 2026-06-12. Review status: criteria provided, single submitter. Criteria: ACMG Guidelines, 2015. Collection method: clinical testing. Allele origin: germline. Inheritance: Autosomal recessive inheritance. Affected: yes.
Comment: ACMG criterias used: PVS1, PM2 and PM3_Supporting.

Labcorp Genetics (formerly Invitae), Labcorp
Classification: Pathogenic for Congenital myasthenic syndrome 12. Last evaluated: 2023-11-20. Review status: criteria provided, single submitter. Criteria: Invitae Variant Classification Sherloc (09022015). Collection method: clinical testing. Allele origin: germline.
Comment: This sequence change creates a premature translational stop signal (p.Gly247Glnfs*33) in the GFPT1 gene. It is expected to result in an absent or disrupted protein product. Loss-of-function variants in GFPT1 are known to be pathogenic (PMID: 23794683). This variant is not present in population databases (gnomAD no frequency). This variant has not been reported in the literature in individuals affected with GFPT1-related conditions. For these reasons, this variant has been classified as Pathogenic.

CeGaT Center for Human Genetics Tuebingen
Classification: Pathogenic. Last evaluated: 2020-10-01. Review status: criteria provided, single submitter. Criteria: CeGaT Center For Human Genetics Tuebingen Variant Classification Criteria Version 2. Collection method: clinical testing. Allele origin: germline. Affected: yes. Observed: 2 variant alleles.

Literature cited by the submitters: PubMed 23794683 (cited by Labcorp Genetics (formerly Invitae), Labcorp).